The following is an entry in ClinVar:

ClinVar aggregate classification (germline): Uncertain significance. Review status: criteria provided, multiple submitters, no conflicts (2 of 4 stars). 2 submissions from 2 submitters: Uncertain significance (2). Last evaluated 2023-02-23.

Conditions:
Immunodeficiency due to ficolin3 deficiency. Also called: FICOLIN 3 DEFICIENCY; FCN3 DEFICIENCY; LECTIN COMPLEMENT ACTIVATION PATHWAY, DEFECT IN, 3. Identifiers: Orphanet 331190, MedGen C3151226, MONDO:0013467, OMIM 613860.

Allele frequency attached by ClinVar (database versions not stated): ExAC 0.00002; gnomAD 0.00002; TOPMed 0.00002.
gnomAD v4.1: 42 of 1,613,840 alleles (0.0026%); highest among the groups gnomAD compares: African/African-American, 0.004%; no homozygotes.

Submissions (2):

Ambry Genetics
Classification: Uncertain significance. Last evaluated: 2023-02-23. Review status: criteria provided, single submitter. Criteria: Ambry Variant Classification Scheme 2023. Collection method: clinical testing. Allele origin: germline.

Center for Genomics, Ann and Robert H. Lurie Children's Hospital of Chicago
Classification: Uncertain significance for Immunodeficiency due to ficolin3 deficiency. Last evaluated: 2021-03-30. Review status: criteria provided, single submitter. Criteria: ACMG Guidelines, 2015. Collection method: clinical testing. Allele origin: germline.
Comment: FCN3 NM_003665 exon 2 p.Gly48Arg (c.142G>A): This variant has not been reported in the literature but is present in 2/24020 African alleles in the Genome Aggregation Database. Evolutionary conservation and computational predictive tools suggest that this variant may impact the protein. In summary, data on this variant is insufficient for disease classification. Therefore, the clinical significance of this variant is uncertain.

NM_003665.4(FCN3):c.142G>A (p.Gly48Arg)

Gene: FCN3 (ficolin 3; minus strand). Cytogenetic location: 1p36.11.
Variant type: single nucleotide variant.
Coding change: c.142G>A on transcript NM_003665.4 (MANE Select); coding-DNA position 142, G replaced by A.
Protein change: p.Gly48Arg; replaces glycine 48 with arginine.
Molecular consequence: missense variant.
Genome position (GRCh38, 1-based): chr1:27,374,401, C>T on the plus strand (G>A on the coding strand, the complement: FCN3 is on the minus strand). VCF-style: chr1-27374401-C-T. GRCh37 (hg19) VCF-style: chr1-27700892-C-T.
Other names: c.142G>A, p.Gly48Arg (NM_173452.3); short protein forms G48R.
Identifiers: ClinVar variation 2464933 (VCV002464933.3), dbSNP rs746300270, ClinGen allele CA714444.